The following is an entry in ClinVar:

ClinVar aggregate classification (germline): Likely benign. Review status: criteria provided, multiple submitters, no conflicts (2 of 4 stars). 7 submissions from 7 submitters: Likely benign (7). Last evaluated 2025-07-25.

Conditions:
Marfan syndrome (MFS). Also called: MARFAN SYNDROME, TYPE I; FBN1-Related Marfan Syndrome; Marfan syndrome, classic; Marfan syndrome type 1; Marfan's syndrome. Identifiers: Orphanet 284963, Orphanet 558, MedGen C0024796, MONDO:0007947, OMIM 154700.
Familial thoracic aortic aneurysm and aortic dissection (TAAD). Also called: Thoracic aortic aneurysms and dissections. Identifiers: Orphanet 91387, MedGen C4707243, MONDO:0019625.

Allele frequency attached by ClinVar (database versions not stated): gnomAD 0.00001 and 0.00002; gnomAD exomes 0.00004 and 0.00006; ESP Exome Variant Server 0.00008; 1000 Genomes Project 30x 0.00016; ExAC 0.00004; TOPMed 0.00002; 1000 Genomes Project 0.00020.
gnomAD v4.1: 88 of 1,613,442 alleles (0.0055%); highest among the groups gnomAD compares: Middle Eastern, 0.017%; no homozygotes.

Submissions (7):

Labcorp Genetics (formerly Invitae), Labcorp
Classification: Likely benign for Marfan syndrome; Familial thoracic aortic aneurysm and aortic dissection. Last evaluated: 2025-07-25. Review status: criteria provided, single submitter. Criteria: Invitae Variant Classification Sherloc (09022015). Collection method: clinical testing. Allele origin: germline.

Blueprint Genetics
Classification: Likely benign. Last evaluated: 2024-10-03. Review status: criteria provided, single submitter. Criteria: ACMG Guidelines, 2015. Collection method: clinical testing. Allele origin: germline.

All of Us Research Program, National Institutes of Health
Classification: Likely benign for Marfan syndrome. Last evaluated: 2023-12-01. Review status: criteria provided, single submitter. Criteria: ACMG Guidelines, 2015. Collection method: clinical testing. Allele origin: germline. Inheritance: Autosomal dominant inheritance. Observed: 8 variant alleles, 8 heterozygotes.
Comment: This study involves interpretation of variants in research participants for the purpose of population health screening. Participant phenotype was not available at the time of variant classification. Additional details can be found in publication PMID: 35346344, PMCID: PMC8962531

Women's Health and Genetics/Laboratory Corporation of America, LabCorp
Classification: Likely benign. Last evaluated: 2019-08-28. Review status: criteria provided, single submitter. Criteria: LabCorp Variant Classification Summary - May 2015. Collection method: clinical testing. Allele origin: germline.

Color Diagnostics, LLC DBA Color Health
Classification: Likely benign for Familial thoracic aortic aneurysm and aortic dissection. Last evaluated: 2019-07-09. Review status: criteria provided, single submitter. Criteria: ACMG Guidelines, 2015. Collection method: clinical testing. Allele origin: germline.

Center for Human Genetics, Inc
Classification: Likely benign for Marfan syndrome. Last evaluated: 2018-06-01. Review status: criteria provided, single submitter. Criteria: ACMG Guidelines, 2015. Collection method: clinical testing. Allele origin: germline. Affected: yes.

Ambry Genetics
Classification: Likely benign for Familial thoracic aortic aneurysm and aortic dissection. Last evaluated: 2015-08-16. Review status: criteria provided, single submitter. Criteria: Ambry Variant Classification Scheme 2023. Collection method: clinical testing. Allele origin: germline.

NM_000138.5(FBN1):c.762C>T (p.Pro254=)

Gene: FBN1 (fibrillin 1; minus strand). Cytogenetic location: 15q21.1.
Variant type: single nucleotide variant.
Coding change: c.762C>T on transcript NM_000138.5 (MANE Select); coding-DNA position 762, C replaced by T.
Protein change: p.Pro254=; no amino-acid change (proline 254 retained).
Molecular consequence: synonymous variant.
Genome position (GRCh38, 1-based): chr15:48,534,180, G>A on the plus strand (C>T on the coding strand, the complement: FBN1 is on the minus strand). VCF-style: chr15-48534180-G-A. GRCh37 (hg19) VCF-style: chr15-48826377-G-A.
Identifiers: ClinVar variation 264227 (VCV000264227.17), dbSNP rs374318726, ClinGen allele CA058969.
Genomic context (GRCh38, chr15:48,534,180, plus strand): 5'-AGGGCATTTGCACTCAAAAGACCCAACAGTATTAATGCAATTTCCTCCCTGACAGAGCCC[G>A]GGGATGGCCTGGCATTCATCCACATCTGTCAGATTACAGAAGACAGAGAGAAAAAAAAAA-3'
Protein context (NP_000129.3, residues 244-264): CQDVDECQAI[Pro254=]GLCQGGNCIN